The following is an entry in ClinVar:

ClinVar aggregate classification (germline): Benign (0 of 4 stars; one submission).

Conditions:
DHX34-related disorder. Also called: DHX34-related condition.

Allele frequency attached by ClinVar (database versions not stated): ESP Exome Variant Server 0.00101; gnomAD exomes 0.00549; gnomAD 0.00650; TOPMed 0.00826; 1000 Genomes Project 30x 0.01280; ExAC 0.01413; 1000 Genomes Project 0.01438.
gnomAD v4.1: 8,991 of 1,610,454 alleles (0.56%); highest among the groups gnomAD compares: East Asian, 7.2%; 306 homozygotes.

Submission:

PreventionGenetics, part of Exact Sciences
Classification: Benign for DHX34-related condition. Last evaluated: 2019-12-18. Review status: no assertion criteria provided. Collection method: clinical testing. Allele origin: germline.
Comment: This variant is classified as benign based on ACMG/AMP sequence variant interpretation guidelines (Richards et al. 2015 PMID: 25741868, with internal and published modifications).

NM_014681.6(DHX34):c.1590G>A (p.Leu530=)

Gene: DHX34 (DExH-box helicase 34; plus strand). Cytogenetic location: 19q13.32.
Variant type: single nucleotide variant.
Coding change: c.1590G>A on transcript NM_014681.6 (MANE Select); coding-DNA position 1590, G replaced by A.
Protein change: p.Leu530=; no amino-acid change (leucine 530 retained).
Molecular consequence: synonymous variant.
Genome position (GRCh38, 1-based): chr19:47,362,690, G>A. VCF-style: chr19-47362690-G-A. GRCh37 (hg19) VCF-style: chr19-47865947-G-A.
Identifiers: ClinVar variation 3039035 (VCV003039035.2), dbSNP rs141740339, ClinGen allele CA9538130.
Genomic context (GRCh38, chr19:47,362,690, plus strand): 5'-TGCCTTCGCCCCCTACCCCGTCCCAGAAATTCGGAGGGTGGCCCTGGACTCGTTGGTGCT[G>A]CAGGTGAGGCATGGGCAGAAAGGGGACTATATCCTAACTGCTGGCACAGGGAGGAACCTG-3'
Protein context (NP_055496.2, residues 520-540): IRRVALDSLV[Leu530=]QMKSMSVGDP